The following is an entry in ClinVar:

ClinVar aggregate classification (germline): Conflicting classifications of pathogenicity. Review status: criteria provided, conflicting classifications (1 of 4 stars). 4 submissions from 4 submitters: Uncertain significance (1); Likely benign (3). Last evaluated 2026-01-30.

Conditions:
TTN-related disorder. Also called: TTN-related condition; TTN-related disease; TTN-related disorders.
Primary dilated cardiomyopathy (DCM). Also called: Dilated Cardiomyopathy. Identifiers: Orphanet 217604, MedGen C0007193, MeSH D002311, MONDO:0005021, HP:0001644. Inheritance: Various modes of inheritance.
Autosomal recessive limb-girdle muscular dystrophy type 2J (LGMDR10). Also called: Limb-girdle muscular dystrophy, type 2J; MUSCULAR DYSTROPHY, LIMB-GIRDLE, AUTOSOMAL RECESSIVE 10. Identifiers: Orphanet 140922, MedGen C1837342, MONDO:0012127, OMIM 608807.
Dilated cardiomyopathy 1G (CMD1G). Identifiers: Orphanet 154, MedGen C1858763, MONDO:0011400, OMIM 604145.

Allele frequency attached by ClinVar (database versions not stated): gnomAD below 0.00001 and 0.00003; TOPMed 0.00002; gnomAD exomes 0.00008 and 0.00013; 1000 Genomes Project 30x 0.00016; ExAC 0.00018; 1000 Genomes Project 0.00020.
gnomAD v4.1: 120 of 1,613,198 alleles (0.0074%); highest among the groups gnomAD compares: South Asian, 0.088%; no homozygotes.

Submissions (4):

PreventionGenetics, part of Exact Sciences
Classification: Uncertain significance for TTN-related condition. Last evaluated: 2026-01-30. Review status: criteria provided, single submitter. Criteria: ACMG Guidelines, 2015. Collection method: clinical testing. Allele origin: germline.
Comment: The TTN c.53156T>C variant is predicted to result in the amino acid substitution p.Val17719Ala. To our knowledge, this variant has not been reported in the literature. This variant is reported in 0.092% of alleles in individuals of South Asian descent in gnomAD. Although we suspect that this variant may be benign, at this time, the clinical significance of this variant is uncertain due to the absence of conclusive functional and genetic evidence.

Labcorp Genetics (formerly Invitae), Labcorp
Classification: Likely benign for Dilated cardiomyopathy 1G; Autosomal recessive limb-girdle muscular dystrophy type 2J. Last evaluated: 2026-01-11. Review status: criteria provided, single submitter. Criteria: Invitae Variant Classification Sherloc (09022015). Collection method: clinical testing. Allele origin: germline.

Blueprint Genetics
Classification: Likely benign. Last evaluated: 2024-05-13. Review status: criteria provided, single submitter. Criteria: ACMG Guidelines, 2015. Collection method: clinical testing. Allele origin: germline.

Genetics and Genomics Program, Sidra Medicine
Classification: Likely benign for Primary dilated cardiomyopathy. Review status: criteria provided, single submitter. Criteria: ACMG Guidelines, 2015. Collection method: research. Allele origin: unknown. Affected: yes. Observed: 1 variant allele.

NM_001267550.2(TTN):c.53156T>C (p.Val17719Ala)

Genes: TTN (titin; minus strand), TTN-AS1 (TTN antisense RNA 1; plus strand), LOC126806425 (BRD4-independent group 4 enhancer GRCh37_chr2:179471933-179473132; plus strand). Cytogenetic location: 2q31.2.
Variant type: single nucleotide variant.
Coding change: c.53156T>C on transcript NM_001267550.2 (MANE Select); coding-DNA position 53156, T replaced by C.
Protein change: p.Val17719Ala; replaces valine 17719 with alanine.
Molecular consequence: missense variant.
Genome position (GRCh38, 1-based): chr2:178,607,532, A>G on the plus strand (T>C on the coding strand, the complement: TTN is on the minus strand). VCF-style: chr2-178607532-A-G. GRCh37 (hg19) VCF-style: chr2-179472259-A-G.
Other names: c.48233T>C, p.Val16078Ala (NM_001256850.1); c.25961T>C, p.Val8654Ala (NM_003319.4); c.45452T>C, p.Val15151Ala (NM_133378.4); c.26336T>C, p.Val8779Ala (NM_133432.3); c.26537T>C, p.Val8846Ala (NM_133437.4); short protein forms V17719A, V8654A, V8779A, V15151A, V16078A, V8846A.
Identifiers: ClinVar variation 703110 (VCV000703110.21), dbSNP rs564121832, ClinGen allele CA1993846.
Genomic context (GRCh38, chr2:178,607,532, plus strand): 5'-TGGTCTTTTCGCAGTGCATCCTTGATAATTAGTTCAGATTTGGTTCCAACGTTGTCTATT[A>G]CAACACGGTCTTTATCCAGCTCCCCTTCTTCTTTGGTCCATACTTTTGTAGGTACAGGGC-3'
Protein context (NP_001254479.2, residues 17709-17729): EEGELDKDRV[Val17719Ala]IDNVGTKSEL